The following is an entry in ClinVar:

ClinVar aggregate classification (germline): Likely pathogenic (1 of 4 stars; one submission).

Conditions:
Primary hyperoxaluria, type I (HP1). Also called: OXALOSIS I; Primary hyperoxaluria type 1; GLYCOLIC ACIDURIA; HEPATIC AGT DEFICIENCY. Identifiers: Orphanet 416, Orphanet 93598, MedGen C0268164, MONDO:0009823, OMIM 259900. Disease mechanism: loss of function.

Submission:

Rare Kidney Stone Consortium and the Mayo Clinic Hyperoxaluria Center, Mayo Clinic
Classification: Likely pathogenic for Primary hyperoxaluria, type I. Last evaluated: 2024-01-10. Review status: criteria provided, single submitter. Criteria: ACMG Guidelines, 2015. Collection method: clinical testing. Allele origin: germline. Affected: yes.
Comment: ACMG:PM1 PM2 PM3

Literature cited by the submitters: PubMed 34805638.

NM_000030.3(AGXT):c.638C>A (p.Ala213Asp)

Gene: AGXT (alanine--glyoxylate aminotransferase; plus strand). Cytogenetic location: 2q37.3.
Variant type: single nucleotide variant.
Coding change: c.638C>A on transcript NM_000030.3 (MANE Select); coding-DNA position 638, C replaced by A.
Protein change: p.Ala213Asp; replaces alanine 213 with aspartic acid.
Molecular consequence: missense variant.
Genome position (GRCh38, 1-based): chr2:240,874,020, C>A. VCF-style: chr2-240874020-C-A. GRCh37 (hg19) VCF-style: chr2-241813437-C-A.
Other names: short protein forms A213D.
Identifiers: ClinVar variation 2664128 (VCV002664128.2), dbSNP rs569680503, ClinGen allele CA351316927.